The following is an entry in ClinVar:

ClinVar aggregate classification (germline): Pathogenic (1 of 4 stars; one submission).

Conditions:
Wilms tumor 1 (WT1). Also called: Wilms tumor, somatic. Identifiers: Orphanet 654, MedGen CN033288, MONDO:0008679, OMIM 194070.
Drash syndrome (DDS). Also called: NEPHROPATHY, WILMS TUMOR, AND GENITAL ANOMALIES; WILMS TUMOR AND PSEUDO- OR TRUE HERMAPHRODITISM. Identifiers: Orphanet 220, MedGen C0950121, MONDO:0008682, OMIM 194080.
11p partial monosomy syndrome (WAGR). Also called: WAGR Spectrum Disorder; CHROMOSOME 11p13 DELETION SYNDROME; WAGR syndrome; WAGR Complex. Identifiers: Orphanet 893, MedGen C0206115, MONDO:0008681, OMIM 194072.
Frasier syndrome. Identifiers: Orphanet 347, MedGen C0950122, MeSH D052159, MONDO:0007635, OMIM 136680.

Submission:

Labcorp Genetics (formerly Invitae), Labcorp
Classification: Pathogenic for Wilms tumor 1; Drash syndrome; 11p partial monosomy syndrome; Frasier syndrome. Last evaluated: 2025-01-08. Review status: criteria provided, single submitter. Criteria: Invitae Variant Classification Sherloc (09022015). Collection method: clinical testing. Allele origin: germline.
Comment: This sequence change creates a premature translational stop signal (p.Thr377Serfs*73) in the WT1 gene. It is expected to result in an absent or disrupted protein product. Loss-of-function variants in WT1 are known to be pathogenic (PMID: 15150775). This variant is not present in population databases (gnomAD no frequency). This variant has not been reported in the literature in individuals affected with WT1-related conditions. For these reasons, this variant has been classified as Pathogenic.

Literature cited by the submitters: PubMed 15150775.

NM_024426.6(WT1):c.1144_1145insGC (p.Thr382fs)

Gene: WT1 (WT1 transcription factor; minus strand). Cytogenetic location: 11p13.
Variant type: Insertion.
Coding change: c.1144_1145insGC on transcript NM_024426.6 (MANE Select); coding-DNA positions 1144 to 1145, GC inserted.
Protein change: p.Thr382fs; shifts the reading frame from threonine 382.
Molecular consequence: frameshift variant. On other transcripts: 5 prime UTR variant (1), non-coding transcript variant (2).
Genome position: GRCh38 VCF-style: chr11-32396376-G-GGC. GRCh37 (hg19) VCF-style: chr11-32417922-G-GGC.
Other names: c.1093_1094insGC, p.Thr365fs (NM_000378.6, NM_001407045.1, NM_001407048.1 and 1 more transcripts); c.493_494insGC, p.Thr165fs (NM_001198551.2); c.442_443insGC, p.Thr148fs (NM_001198552.2); c.-45_-44insGC (NM_001367854.1); c.1138_1139insGC, p.Thr380fs (NM_001407044.1); c.1144_1145insGC, p.Thr382fs (NM_001407046.1, NM_024424.5); c.1021_1022insGC, p.Thr341fs (NM_001407047.1); c.970_971insGC, p.Thr324fs (NM_001407050.1); and 3 more; short protein forms T128fs, T148fs, T165fs, T292fs, T309fs, T324fs, T341fs, T365fs.
Identifiers: ClinVar variation 3760123 (VCV003760123.2).
Genomic context (GRCh38, chr11:32,396,376, plus strand): 5'-CCTGGGTAAGCACACATGAAGGGGCGTTTCTCACTGGTCTCAGATGCCGACCGTACAAGA[G>GGC]TCGGGGCTACTCCAGGCACACGTCGCACATCCTGCAGGCAGAGAGTAAGAGGAAGGGAGG-3'